The following is an entry in ClinVar:

NM_000393.5(COL5A2):c.2791C>T (p.Pro931Ser)

Gene: COL5A2 (collagen type V alpha 2 chain; minus strand). Cytogenetic location: 2q32.2.
Variant type: single nucleotide variant.
Coding change: c.2791C>T on transcript NM_000393.5 (MANE Select); coding-DNA position 2791, C replaced by T.
Protein change: p.Pro931Ser; replaces proline 931 with serine.
Molecular consequence: missense variant.
Genome position (GRCh38, 1-based): chr2:189,051,460, G>A on the plus strand (C>T on the coding strand, the complement: COL5A2 is on the minus strand). VCF-style: chr2-189051460-G-A. GRCh37 (hg19) VCF-style: chr2-189916186-G-A.
Other names: c.2791C>T (NM_000393.3); short protein forms P931S.
Identifiers: ClinVar variation 1013957 (VCV001013957.10), dbSNP rs1182035468, ClinGen allele CA349868363.

ClinVar aggregate classification (germline): Uncertain significance. Review status: criteria provided, multiple submitters, no conflicts (2 of 4 stars). 2 submissions from 2 submitters: Uncertain significance (2). Last evaluated 2026-04-30.

Conditions:
Ehlers-Danlos syndrome, classic type, 1 (EDSCL1). Also called: EHLERS-DANLOS SYNDROME, GRAVIS TYPE; EHLERS-DANLOS SYNDROME, SEVERE CLASSIC TYPE; EDS I; Ehlers-Danlos Syndrome, Classic Type, COL5A1-Related; Ehlers-Danlos syndrome, type 1. Identifiers: MedGen C0268335, MONDO:0019567, OMIM 130000.
Familial thoracic aortic aneurysm and aortic dissection (TAAD). Also called: Thoracic aortic aneurysms and dissections. Identifiers: Orphanet 91387, MedGen C4707243, MONDO:0019625.

Allele frequency attached by ClinVar (database versions not stated): gnomAD 0.00001; gnomAD exomes below 0.00001; TOPMed 0.00001.
gnomAD v4.1: 5 of 1,609,222 alleles (0.00031%); highest among the groups gnomAD compares: East Asian, 0.0022%; no homozygotes.

Submissions (2):

Ambry Genetics
Classification: Uncertain significance for Familial thoracic aortic aneurysm and aortic dissection. Last evaluated: 2026-04-30. Review status: criteria provided, single submitter. Criteria: Ambry Variant Classification Scheme 2023. Collection method: clinical testing. Allele origin: germline.
Comment: The p.P931S variant (also known as c.2791C>T), located in coding exon 42 of the COL5A2 gene, results from a C to T substitution at nucleotide position 2791. The proline at codon 931 is replaced by serine, an amino acid with similar properties. This amino acid position is conserved. In addition, the in silico prediction for this alteration is inconclusive. Based on the available evidence, the clinical significance of this variant remains unclear.

Labcorp Genetics (formerly Invitae), Labcorp
Classification: Uncertain significance for Ehlers-Danlos syndrome, classic type, 1. Last evaluated: 2022-09-07. Review status: criteria provided, single submitter. Criteria: Invitae Variant Classification Sherloc (09022015). Collection method: clinical testing. Allele origin: germline.
Comment: In summary, the available evidence is currently insufficient to determine the role of this variant in disease. Therefore, it has been classified as a Variant of Uncertain Significance. Advanced modeling of protein sequence and biophysical properties (such as structural, functional, and spatial information, amino acid conservation, physicochemical variation, residue mobility, and thermodynamic stability) performed at Invitae indicates that this missense variant is not expected to disrupt COL5A2 protein function. ClinVar contains an entry for this variant (Variation ID: 1013957). This variant has not been reported in the literature in individuals affected with COL5A2-related conditions. This variant is not present in population databases (gnomAD no frequency). This sequence change replaces proline, which is neutral and non-polar, with serine, which is neutral and polar, at codon 931 of the COL5A2 protein (p.Pro931Ser).